The following is an entry in ClinVar:

NM_022436.3(ABCG5):c.272G>A (p.Gly91Glu)

Gene: ABCG5 (ATP binding cassette subfamily G member 5; minus strand). Cytogenetic location: 2p21.
Variant type: single nucleotide variant.
Coding change: c.272G>A on transcript NM_022436.3 (MANE Select); coding-DNA position 272, G replaced by A.
Protein change: p.Gly91Glu; replaces glycine 91 with glutamic acid.
Molecular consequence: missense variant.
Genome position (GRCh38, 1-based): chr2:43,832,077, C>T on the plus strand (G>A on the coding strand, the complement: ABCG5 is on the minus strand). VCF-style: chr2-43832077-C-T. GRCh37 (hg19) VCF-style: chr2-44059216-C-T.
Other names: short protein forms G91E.
Identifiers: ClinVar variation 1684428 (VCV001684428.1), dbSNP rs749587717, ClinGen allele CA1636718.

ClinVar aggregate classification (germline): Uncertain significance (0 of 4 stars; one submission).

Conditions:
Sitosterolemia 1. Identifiers: MedGen C2749759, MONDO:0020747, OMIM 210250.

Allele frequency attached by ClinVar (database versions not stated): TOPMed below 0.00001; gnomAD 0.00001; gnomAD exomes 0.00001; ExAC 0.00004.
gnomAD v4.1: 12 of 1,579,082 alleles (0.00076%); highest among the groups gnomAD compares: Non-Finnish European, 0.001%; no homozygotes.

Submission:

ISTH-SSC Genomics in Thrombosis and Hemostasis, KU Leuven, Center for Molecular and Vascular Biology
Classification: Uncertain significance for Sitosterolemia 1. Review status: no assertion criteria provided. Collection method: research. Allele origin: unknown. Affected: yes.
Comment: Submitted to GoldVariant by Dr Karyn Mégy from NIHR Bioresource - Cambridge University, UK